The following is an entry in ClinVar:

ClinVar aggregate classification (germline): Benign. Review status: criteria provided, multiple submitters, no conflicts (2 of 4 stars). 9 submissions from 9 submitters: Benign (7). 2 of the submissions do not count toward it. Last evaluated 2026-02-02.

Conditions:
SYNE2-related disorder. Also called: SYNE2-related condition.
Emery-Dreifuss muscular dystrophy 5, autosomal dominant (EDMD5). Also called: EMERY-DREIFUSS MUSCULAR DYSTROPHY 5. Identifiers: Orphanet 261, MedGen C2751805, MONDO:0013072, OMIM 612999.

Allele frequency attached by ClinVar (database versions not stated): ESP Exome Variant Server 0.01515; TOPMed 0.01950; gnomAD 0.01974 and 0.02201; gnomAD exomes 0.02584 and 0.02990; ExAC 0.03016; 1000 Genomes Project 30x 0.03545; 1000 Genomes Project 0.03854.
gnomAD v4.1: 41,088 of 1,614,116 alleles (2.5%); highest among the groups gnomAD compares: East Asian, 14%; 974 homozygotes.

Submissions (9):

Labcorp Genetics (formerly Invitae), Labcorp
Classification: Benign for Emery-Dreifuss muscular dystrophy 5, autosomal dominant. Last evaluated: 2026-02-02. Review status: criteria provided, single submitter. Criteria: Invitae Variant Classification Sherloc (09022015). Collection method: clinical testing. Allele origin: germline.

PreventionGenetics, part of Exact Sciences
Classification: Benign for SYNE2-related condition. Last evaluated: 2025-06-06. Review status: criteria provided, single submitter. Criteria: ACMG Guidelines, 2015. Collection method: clinical testing. Allele origin: germline.
Comment: This variant is classified as benign based on ACMG/AMP sequence variant interpretation guidelines (Richards et al. 2015 PMID: 25741868, with internal and published modifications).

Athena Diagnostics
Classification: Benign. Last evaluated: 2023-12-29. Review status: criteria provided, single submitter. Criteria: Athena Diagnostics Criteria. Collection method: clinical testing. Allele origin: unknown.

GeneDx
Classification: Benign. Last evaluated: 2018-07-09. Review status: criteria provided, single submitter. Criteria: GeneDx Variant Classification Process June 2021. Collection method: clinical testing. Allele origin: germline. Affected: yes.

Illumina Laboratory Services, Illumina
Classification: Benign for Emery-Dreifuss muscular dystrophy 5, autosomal dominant. Last evaluated: 2018-01-13. Review status: criteria provided, single submitter. Criteria: ICSL Variant Classification Criteria 13 December 2019. Collection method: clinical testing. Allele origin: germline.
Comment: This variant was observed in the ICSL laboratory as part of a predisposition screen in an ostensibly healthy population. It had not been previously curated by ICSL or reported in the Human Gene Mutation Database (HGMD: prior to June 1st, 2018), and was therefore a candidate for classification through an automated scoring system. Utilizing variant allele frequency, disease prevalence and penetrance estimates, and inheritance mode, an automated score was calculated to assess if this variant is too frequent to cause the disease. Based on the score and internal cut-off values, a variant classified as benign is not then subjected to further curation. The score for this variant resulted in a classification of benign for this disease.

Genome Diagnostics Laboratory, University Medical Center Utrecht
Classification: Benign for Emery-Dreifuss muscular dystrophy 5, autosomal dominant. Last evaluated: 2014-10-09. Review status: criteria provided, single submitter. Criteria: ACGS Guidelines, 2013. Collection method: clinical testing. Allele origin: germline. Affected: yes. Study: VKGL Data-share Consensus.

Breakthrough Genomics
Classification: Benign. Review status: criteria provided, single submitter. Criteria: ACMG Guidelines, 2015. Collection method: not provided. Allele origin: germline. Inheritance: Autosomal dominant inheritance. Affected: yes.

Clinical Genetics, Academic Medical Center
Classification: Benign. Review status: no assertion criteria provided. Collection method: clinical testing. Allele origin: germline. Affected: yes. Study: VKGL Data-share Consensus. Not counted in ClinVar's aggregate classification.

Genetic Services Laboratory, University of Chicago
Classification: Likely benign for AllHighlyPenetrant. Review status: no assertion criteria provided. Collection method: clinical testing. Allele origin: germline. Inheritance: Autosomal dominant inheritance. Not counted in ClinVar's aggregate classification.
Comment: Likely benign based on allele frequency in 1000 Genomes Project or ESP global frequency and its presence in a patient with a rare or unrelated disease phenotype. NOT Sanger confirmed.

NM_182914.3(SYNE2):c.17556+4T>C

Gene: SYNE2 (spectrin repeat containing nuclear envelope protein 2; plus strand). Cytogenetic location: 14q23.2.
Variant type: single nucleotide variant.
Coding change: c.17556+4T>C on transcript NM_182914.3 (MANE Select); 4 bases into the intron after coding-DNA position 17556, T replaced by C.
Molecular consequence: intron variant.
Genome position (GRCh38, 1-based): chr14:64,177,487, T>C. VCF-style: chr14-64177487-T-C. GRCh37 (hg19) VCF-style: chr14-64644205-T-C.
Other names: c.17556+4T>C (NM_015180.6).
Identifiers: ClinVar variation 130487 (VCV000130487.25), dbSNP rs2297301, ClinGen allele CA155561.